The following is an entry in ClinVar:

NM_004006.3(DMD):c.9224+9421G>A

Gene: DMD (dystrophin; minus strand). Cytogenetic location: Xp21.2.
Variant type: single nucleotide variant.
Coding change: c.9224+9421G>A on transcript NM_004006.3 (MANE Select); 9421 bases into the intron after coding-DNA position 9224, G replaced by A.
Molecular consequence: intron variant.
Genome position (GRCh38, 1-based): chrX:31,314,177, C>T on the plus strand (G>A on the coding strand, the complement: DMD is on the minus strand). VCF-style: chrX-31314177-C-T. GRCh37 (hg19) VCF-style: chrX-31332294-C-T.
Other names: c.9200+9421G>A (NM_000109.4); c.5201+9421G>A (NM_004011.4); c.5192+9421G>A (NM_004012.4); c.1844+9421G>A (NM_004023.3, NM_004020.4, NM_004022.3 and 2 more transcripts); c.1037+9421G>A (NM_004014.3); c.9212+9421G>A (NM_004009.3); c.8855+9421G>A (NM_004010.3).
Identifiers: ClinVar variation 680536 (VCV000680536.1), dbSNP rs2404507, ClinGen allele CA328417098.

ClinVar aggregate classification (germline): Benign (1 of 4 stars; one submission).

Allele frequency attached by ClinVar (database versions not stated): gnomAD 0.78907; TOPMed 0.80385; 1000 Genomes Project 30x 0.83434; 1000 Genomes Project 0.83815.

Submission:

GeneDx
Classification: Benign. Last evaluated: 2018-06-14. Review status: criteria provided, single submitter. Criteria: GeneDx Variant Classification (06012015). Collection method: clinical testing. Allele origin: germline. Affected: yes.
Comment: This variant is considered likely benign or benign based on one or more of the following criteria: it is a conservative change, it occurs at a poorly conserved position in the protein, it is predicted to be benign by multiple in silico algorithms, and/or has population frequency not consistent with disease.